The following is an entry in ClinVar:

NM_052947.4(ALPK2):c.5515T>A (p.Ser1839Thr)

Gene: ALPK2 (alpha kinase 2; minus strand). Cytogenetic location: 18q21.31.
Variant type: single nucleotide variant.
Coding change: c.5515T>A on transcript NM_052947.4 (MANE Select); coding-DNA position 5515, T replaced by A.
Protein change: p.Ser1839Thr; replaces serine 1839 with threonine.
Molecular consequence: missense variant.
Genome position (GRCh38, 1-based): chr18:58,524,049, A>T on the plus strand (T>A on the coding strand, the complement: ALPK2 is on the minus strand). VCF-style: chr18-58524049-A-T. GRCh37 (hg19) VCF-style: chr18-56191281-A-T.
Other names: short protein forms S1839T.
Identifiers: ClinVar variation 3531332 (VCV003531332.1).

ClinVar aggregate classification (germline): Uncertain significance (1 of 4 stars; one submission).

gnomAD v4.1: 1 of 1,613,638 alleles (0.000062%); highest among the groups gnomAD compares: South Asian, 0.0011%; no homozygotes.

Submission:

Ambry Genetics
Classification: Uncertain significance. Last evaluated: 2024-08-24. Review status: criteria provided, single submitter. Criteria: Ambry Variant Classification Scheme 2023. Collection method: clinical testing. Allele origin: germline.
Comment: The p.S1839T variant (also known as c.5515T>A), located in coding exon 6 of the ALPK2 gene, results from a T to A substitution at nucleotide position 5515. The serine at codon 1839 is replaced by threonine, an amino acid with similar properties. This amino acid position is conserved. In addition, this alteration is predicted to be tolerated by in silico analysis. Based on the available evidence, the clinical significance of this variant remains unclear.